The following is an entry in ClinVar:

NM_003742.4(ABCB11):c.3628A>C (p.Thr1210Pro)

Gene: ABCB11 (ATP binding cassette subfamily B member 11; minus strand). Cytogenetic location: 2q31.1.
Variant type: single nucleotide variant.
Coding change: c.3628A>C on transcript NM_003742.4 (MANE Select); coding-DNA position 3628, A replaced by C.
Protein change: p.Thr1210Pro; replaces threonine 1210 with proline.
Molecular consequence: missense variant.
Genome position (GRCh38, 1-based): chr2:168,924,794, T>G on the plus strand (A>C on the coding strand, the complement: ABCB11 is on the minus strand). VCF-style: chr2-168924794-T-G. GRCh37 (hg19) VCF-style: chr2-169781304-T-G.
Other names: NM_003742.4(ABCB11):c.3628A>C; p.Thr1210Pro; short protein forms T1210P.
Identifiers: ClinVar variation 943967 (VCV000943967.18), dbSNP rs1691232631, ClinGen allele CA349118415.

ClinVar aggregate classification (germline): Pathogenic/Likely pathogenic. Review status: criteria provided, multiple submitters, no conflicts (2 of 4 stars). 8 submissions from 8 submitters: Pathogenic (2); Likely pathogenic (6). Last evaluated 2026-04-14.

Conditions:
Progressive familial intrahepatic cholestasis type 2. Identifiers: Orphanet 79304, MedGen C3489789, MONDO:0011156, OMIM 601847.
Familial intrahepatic cholestasis. Identifiers: Orphanet 284385, MedGen CN296401, MONDO:0017290.
Benign recurrent intrahepatic cholestasis type 2 (BRIC2). Also called: Recurrent familial intrahepatic cholestasis 2. Identifiers: Orphanet 65682, Orphanet 99961, MedGen C2608083, MONDO:0011559, OMIM 605479.

gnomAD v4.1: 3 of 1,611,614 alleles (0.00019%); highest among the groups gnomAD compares: Non-Finnish European, 0.00025%; no homozygotes.

Submissions (8):

Genomenon, Inc
Classification: Likely pathogenic for Familial intrahepatic cholestasis. Last evaluated: 2026-04-14. Review status: criteria provided, single submitter. Criteria: Genomenon Sequence Variant Interpretation Standards - Updated. Collection method: curation. Allele origin: germline. Affected: yes.
Comment: ABCB11 p.Thr1210Pro (c.3628A>C) is a missense variant that changes the amino acid at residue 1210 from Threonine to Proline. This variant has been observed in at least one proband with an ABCB11-related disorder (PMID:37361697;34828443;18395098;20232290). At least one functional study has demonstrated a substantial alteration in protein function relative to the wild-type (PMID:25716872). It is absent or not present at a significant frequency in gnomAD. In silico models predict that this variant is possibly or probably damaging. In conclusion, we classify ABCB11 p.Thr1210Pro (c.3628A>C) as a likely pathogenic variant.

Immunogenetics and Transplant Biology Service, University Hospital "Città della Salute e della Scienza di Torino"
Classification: Pathogenic for Benign recurrent intrahepatic cholestasis type 2; Progressive familial intrahepatic cholestasis type 2. Last evaluated: 2025-06-28. Review status: criteria provided, single submitter. Criteria: ACMG Guidelines, 2015. Collection method: clinical testing. Allele origin: germline. Affected: yes.

Broad Center for Mendelian Genomics, Broad Institute of MIT and Harvard
Classification: Likely pathogenic for Progressive familial intrahepatic cholestasis type 2. Last evaluated: 2025-01-23. Review status: criteria provided, single submitter. Criteria: ACMG Guidelines, 2015. Collection method: curation. Allele origin: germline. Inheritance: Autosomal recessive inheritance.
Comment: The p.Thr1210Pro variant in ABCB11 has been identified in 3 individuals with BSEP deficiency (PMID: 18395098, 22609309, 28733223), and has been identified in 0.0002% (3/1178890) of European (non-Finish) chromosomes by the Genome Aggregation Database (gnomAD; dbSNP rs1691232631). Although this variant has been seen in the general population in a heterozygous state, its frequency is low enough to be consistent with a recessive carrier frequency. This variant has also been reported in ClinVar (Variation ID: 943967) and has been interpreted as pathogenic by Baylor Genetics and likely pathogenic by Invitae and Natera, Inc. Of the 3 affected individuals, 2 of those were homozygotes, which increases the likelihood that the p.Thr1210Pro variant is pathogenic (PMID: 18395098, 22609309). In vitro functional studies provide some evidence that the p.Thr1210Pro variant may slightly impact protein function (PMID: 19101985, 22609309). However, these types of assays may not accurately represent biological function. Computational prediction tools and conservation analyses suggest that this variant may impact the protein, though this information is not predictive enough to determine pathogenicity. In summary, although additional studies are required to fully establish its clinical significance, this variant is likely pathogenic for autosomal recessive BSEP deficiency. ACMG/AMP Criteria applied: PM3_strong, PP3_moderate, PM2_supporting, PS3_supporting (Richards 2015).

Natera, Inc.
Classification: Likely pathogenic for Progressive familial intrahepatic cholestasis type 2. Last evaluated: 2025-01-14. Review status: criteria provided, single submitter. Criteria: Natera Variant Classification Schema (03/2026). Collection method: clinical testing. Allele origin: germline.
Comment: The c.3628A>C variant in ABCB11 is a missense variant predicted to cause substitution of threonine to proline at amino acid 1210. This variant is rare in the general population with a frequency below the threshold expected for the associated phenotype(s). This variant has been observed in one or more individuals affected with the associated recessive disease, as either homozygous or compound heterozygous with a second variant (PMID: 18395098, 20232290, 34828443, 35626323). Functional studies show that this variant may disrupt protein function (PMID: 19101985, 22609309, 25716872). Computational prediction algorithms indicate this variant is likely to affect gene or protein function. Given the available evidence, this variant is classified as Likely Pathogenic.

Labcorp Genetics (formerly Invitae), Labcorp
Classification: Likely pathogenic. Last evaluated: 2024-04-18. Review status: criteria provided, single submitter. Criteria: Invitae Variant Classification Sherloc (09022015). Collection method: clinical testing. Allele origin: germline.
Comment: This sequence change replaces threonine, which is neutral and polar, with proline, which is neutral and non-polar, at codon 1210 of the ABCB11 protein (p.Thr1210Pro). This variant is not present in population databases (gnomAD no frequency). This missense change has been observed in individuals with ABCB11-related conditions (PMID: 18395098, 28733223). ClinVar contains an entry for this variant (Variation ID: 943967). Advanced modeling of protein sequence and biophysical properties (such as structural, functional, and spatial information, amino acid conservation, physicochemical variation, residue mobility, and thermodynamic stability) performed at Invitae indicates that this missense variant is expected to disrupt ABCB11 protein function with a positive predictive value of 95%. Experimental studies have shown that this missense change affects ABCB11 function (PMID: 19101985, 22609309, 25716872). In summary, the currently available evidence indicates that the variant is pathogenic, but additional data are needed to prove that conclusively. Therefore, this variant has been classified as Likely Pathogenic.

Fulgent Genetics
Classification: Likely pathogenic for Progressive familial intrahepatic cholestasis type 2; Benign recurrent intrahepatic cholestasis type 2. Last evaluated: 2024-03-10. Review status: criteria provided, single submitter. Criteria: ACMG Guidelines, 2015. Collection method: clinical testing. Allele origin: germline.

Baylor Genetics
Classification: Pathogenic for Benign recurrent intrahepatic cholestasis type 2. Last evaluated: 2024-01-25. Review status: criteria provided, single submitter. Criteria: ACMG Guidelines, 2015. Collection method: clinical testing. Allele origin: unknown.

Department of Human Genetics, Hannover Medical School
Classification: Likely pathogenic for Progressive familial intrahepatic cholestasis type 2. Last evaluated: 2022-11-30. Review status: criteria provided, single submitter. Criteria: ACMG Guidelines, 2015. Collection method: clinical testing. Allele origin: germline. Inheritance: Autosomal recessive inheritance. Affected: yes.

Literature cited by the submitters: PubMed 37361697 (cited by Genomenon, Inc); PubMed 34828443 (cited by Genomenon, Inc and Natera, Inc.); PubMed 18395098 (cited by 3 submitters); PubMed 20232290 (cited by Genomenon, Inc and Natera, Inc.); PubMed 25716872 (cited by 3 submitters); PubMed 35626323 (cited by Natera, Inc.); PubMed 19101985 (cited by Natera, Inc. and Labcorp Genetics (formerly Invitae), Labcorp); PubMed 22609309 (cited by Natera, Inc. and Labcorp Genetics (formerly Invitae), Labcorp); PubMed 28733223 (cited by Labcorp Genetics (formerly Invitae), Labcorp).